The following is an entry in ClinVar:

NM_001098672.2(HEPHL1):c.410C>A (p.Ser137Ter)

Gene: HEPHL1 (hephaestin like 1; plus strand). Cytogenetic location: 11q21.
Variant type: single nucleotide variant.
Coding change: c.410C>A on transcript NM_001098672.2 (MANE Select); coding-DNA position 410, C replaced by A.
Protein change: p.Ser137Ter; replaces serine 137 with a stop codon.
Molecular consequence: nonsense.
Genome position (GRCh38, 1-based): chr11:94,045,912, C>A. VCF-style: chr11-94045912-C-A. GRCh37 (hg19) VCF-style: chr11-93779078-C-A.
Other names: short protein forms S137*.
Identifiers: ClinVar variation 4974975 (VCV004974975.1).

ClinVar aggregate classification (germline): Likely pathogenic (1 of 4 stars; one submission).

Conditions:
Pili torti-developmental delay-neurological abnormalities syndrome. Identifiers: Orphanet 2891, MedGen C1849811, MONDO:0009871, OMIM 261990.

gnomAD v4.1: 2 of 1,613,410 alleles (0.00012%); highest among the groups gnomAD compares: Non-Finnish European, 0.00017%; no homozygotes.

Submission:

Diagnostics Services (NGS), CSIR - Centre For Cellular And Molecular Biology
Classification: Likely pathogenic for Pili torti-developmental delay-neurological abnormalities syndrome. Last evaluated: 2026-08-06. Review status: criteria provided, single submitter. Criteria: ACMG Guidelines, 2015. Collection method: clinical testing. Allele origin: germline. Affected: no. Observed: 1 variant allele, 1 heterozygote.